The following is an entry in ClinVar:

NM_206933.4(USH2A):c.1678C>G (p.Pro560Ala)

Gene: USH2A (usherin; minus strand). Cytogenetic location: 1q41.
Variant type: single nucleotide variant.
Coding change: c.1678C>G on transcript NM_206933.4 (MANE Select); coding-DNA position 1678, C replaced by G.
Protein change: p.Pro560Ala; replaces proline 560 with alanine.
Molecular consequence: missense variant.
Genome position (GRCh38, 1-based): chr1:216,292,337, G>C on the plus strand (C>G on the coding strand, the complement: USH2A is on the minus strand). VCF-style: chr1-216292337-G-C. GRCh37 (hg19) VCF-style: chr1-216465679-G-C.
Other names: c.1678C>G, p.Pro560Ala (NM_007123.6); short protein forms P560A.
Identifiers: ClinVar variation 551338 (VCV000551338.22), dbSNP rs147509797, ClinGen allele CA1396428.
Genomic context (GRCh38, chr1:216,292,337, plus strand): 5'-GGCTGTTGCATTGACAAGGTTTACAATTGAAAGCGTAAACTTGATCACCTTGGCGGAAAG[G>C]CTTGTCATTATAAAGAGGCAAGCAGCGATCACACTAGAACAAAAAATATCAGAACAGTAA-3'
Protein context (NP_996816.3, residues 550-570): DRCLPLYNDK[Pro560Ala]FRQGDQVYAF

ClinVar aggregate classification (germline): Conflicting classifications of pathogenicity. Review status: criteria provided, conflicting classifications (1 of 4 stars). 11 submissions from 9 submitters: Uncertain significance (8); Likely benign (1). 2 of the submissions do not count toward it. Last evaluated 2026-08-31.

Conditions:
Retinal dystrophy. Also called: Inherited retinal dystrophy. Identifiers: Orphanet 71862, MedGen C0854723, MeSH D058499, MONDO:0019118, HP:0000556.
Retinitis pigmentosa (RP). Identifiers: Orphanet 791, MedGen C0035334, MeSH D012174, MONDO:0019200, OMIM 268000. Inheritance: Autosomal dominant, autosomal recessive and X linked inheritance.
Retinitis pigmentosa 39 (RP39). Identifiers: Orphanet 791, MedGen C3151138, MONDO:0013436, OMIM 613809.
USH2A-related disorder. Also called: USH2A-related disorders; USH2A-related condition. Identifiers: MedGen CN239332.
Usher syndrome type 2A. Also called: USHER SYNDROME, TYPE IIA; RETINAL DISEASE IN USHER SYNDROME TYPE IIA, MODIFIER OF. Identifiers: Orphanet 231178, Orphanet 886, MedGen C1848634, MONDO:0010169, OMIM 276901.

Allele frequency attached by ClinVar (database versions not stated): gnomAD 0.00001; ExAC 0.00006; gnomAD exomes 0.00006; TOPMed 0.00009.
gnomAD v4.1: 40 of 1,613,868 alleles (0.0025%); highest among the groups gnomAD compares: East Asian, 0.056%; no homozygotes.

Submissions (11):

PreventionGenetics, part of Exact Sciences
Classification: Uncertain significance for USH2A-related condition. Last evaluated: 2026-08-31. Review status: criteria provided, single submitter. Criteria: ACMG Guidelines, 2015. Collection method: clinical testing. Allele origin: germline.
Comment: The USH2A c.1678C>G variant is predicted to result in the amino acid substitution p.Pro560Ala. This variant was reported in large cohorts of individuals with deafness (Table S2, Miyagawa et al. 2013. PubMed ID: 23967202; Table S2, Koyanagi et al. 2021. PubMed ID: 33629268). This variant was also reported, along with another missense variant in the same gene, in an individual with deafness (Shin et al. 2020. PubMed ID: 32868181). This variant is reported in 0.065% of alleles in individuals of East Asian descent in gnomAD. At this time, the clinical significance of this variant is uncertain due to the absence of conclusive functional and genetic evidence.

Labcorp Genetics (formerly Invitae), Labcorp
Classification: Likely benign. Last evaluated: 2025-03-17. Review status: criteria provided, single submitter. Criteria: Invitae Variant Classification Sherloc (09022015). Collection method: clinical testing. Allele origin: germline.

Genome-Nilou Lab
Classification: Uncertain significance for Retinitis pigmentosa 39. Last evaluated: 2023-11-04. Review status: criteria provided, single submitter. Criteria: ACMG Guidelines, 2015. Collection method: clinical testing. Allele origin: germline. Affected: no.

Genome-Nilou Lab
Classification: Uncertain significance for Usher syndrome type 2A. Last evaluated: 2023-11-04. Review status: criteria provided, single submitter. Criteria: ACMG Guidelines, 2015. Collection method: clinical testing. Allele origin: germline. Affected: no.

Dept Of Ophthalmology, Nagoya University
Classification: Uncertain significance for Retinal dystrophy. Last evaluated: 2023-10-01. Review status: criteria provided, single submitter. Criteria: Submitter's publication. Collection method: research. Allele origin: germline. Affected: yes.

Women's Health and Genetics/Laboratory Corporation of America, LabCorp
Classification: Uncertain significance. Last evaluated: 2023-08-03. Review status: criteria provided, single submitter. Criteria: LabCorp Variant Classification Summary - May 2015. Collection method: clinical testing. Allele origin: germline.
Comment: Variant summary: USH2A c.1678C>G (p.Pro560Ala) results in a non-conservative amino acid change located in the Laminin-type EGF domain (IPR002049) of the encoded protein sequence. Three of five in-silico tools predict a damaging effect of the variant on protein function. The variant allele was found at a frequency of 5.6e-05 in 251218 control chromosomes. This frequency is not significantly higher than estimated for a pathogenic variant in USH2A causing Usher Syndrome (5.6e-05 vs 0.011), allowing no conclusion about variant significance. c.1678C>G has been reported in the literature in multiple individuals affected with clinical features of Usher syndrome (e.g. Miyagawa_2013, Koyanagi_2019) . However, these reports do not provide unequivocal conclusions about association of the variant with Usher Syndrome. Co-occurrences with other pathogenic variant(s) have been reported (USH2A c.8254G>A, p.Gly2752Arg; RHO c.1040C>T, p.Pro347Leu; EYS c.4957dupA, p.Ser1653fs; EYS c.7919G>A, p.Trp2640*; PRPF31 c.1142delG, p.Gly381fs), providing supporting evidence for a benign role (Koyanagi_2019). To our knowledge, no experimental evidence demonstrating an impact on protein function has been reported. The following publications have been ascertained in the context of this evaluation (PMID: 31213501, 23967202). Four submitters have cited clinical-significance assessments for this variant to ClinVar after 2014 and all submitters classified the variant as uncertain significance. Based on the evidence outlined above, the variant was classified as VUS possibly benign.

Blueprint Genetics
Classification: Uncertain significance. Last evaluated: 2022-09-01. Review status: criteria provided, single submitter. Criteria: ACMG Guidelines, 2015. Collection method: clinical testing. Allele origin: germline.

Illumina Laboratory Services, Illumina
Classification: Uncertain significance for Usher syndrome type 2A. Last evaluated: 2017-04-27. Review status: criteria provided, single submitter. Criteria: ICSL Variant Classification Criteria 13 December 2019. Collection method: clinical testing. Allele origin: germline.

Illumina Laboratory Services, Illumina
Classification: Uncertain significance for Retinitis pigmentosa. Last evaluated: 2017-04-27. Review status: criteria provided, single submitter. Criteria: ICSL Variant Classification Criteria 13 December 2019. Collection method: clinical testing. Allele origin: germline.

Natera, Inc.
Classification: Uncertain significance for Usher syndrome type 2A. Last evaluated: 2020-03-13. Review status: no assertion criteria provided. Collection method: clinical testing. Allele origin: germline. Not counted in ClinVar's aggregate classification.

Counsyl
Classification: Uncertain significance for Usher syndrome type 2A; Retinitis pigmentosa 39. Last evaluated: 2017-04-03. Review status: no assertion criteria provided. Collection method: clinical testing. Allele origin: unknown. Not counted in ClinVar's aggregate classification.

Literature cited by the submitters: PubMed 23967202 (cited by Women's Health and Genetics/Laboratory Corporation of America, LabCorp and Counsyl); PubMed 31213501 (cited by Women's Health and Genetics/Laboratory Corporation of America, LabCorp).